The following is an entry in ClinVar:

NM_001386993.1(CTCFL):c.1833C>T (p.Asn611=)

Gene: CTCFL (CCCTC-binding factor like; minus strand). Cytogenetic location: 20q13.31.
Variant type: single nucleotide variant.
Coding change: c.1833C>T on transcript NM_001386993.1 (MANE Select); coding-DNA position 1833, C replaced by T.
Protein change: p.Asn611=; no amino-acid change (asparagine 611 retained).
Molecular consequence: synonymous variant. On other transcripts: non-coding transcript variant (2).
Genome position (GRCh38, 1-based): chr20:57,503,443, G>A on the plus strand (C>T on the coding strand, the complement: CTCFL is on the minus strand). VCF-style: chr20-57503443-G-A. GRCh37 (hg19) VCF-style: chr20-56078499-G-A.
Other names: c.1833C>T, p.Asn611= (NM_001269040.2, NM_001269041.2, NM_001269042.2 and 5 more transcripts); c.1683C>T, p.Asn561= (NM_001269046.2, NM_001386997.1); c.1218C>T, p.Asn406= (NM_001269049.2); c.1047C>T, p.Asn349= (NM_001269054.2).
Identifiers: ClinVar variation 2652424 (VCV002652424.24), dbSNP rs138934649, ClinGen allele CA9921235.

ClinVar aggregate classification (germline): Likely benign (1 of 4 stars; one submission).

Allele frequency attached by ClinVar (database versions not stated): 1000 Genomes Project 0.00080; 1000 Genomes Project 30x 0.00094; gnomAD 0.00129; TOPMed 0.00145; ESP Exome Variant Server 0.00161; ExAC 0.00179.
gnomAD v4.1: 2,720 of 1,614,122 alleles (0.17%); highest among the groups gnomAD compares: Middle Eastern, 0.25%; 6 homozygotes.

Submission:

CeGaT Center for Human Genetics Tuebingen
Classification: Likely benign. Last evaluated: 2023-02-01. Review status: criteria provided, single submitter. Criteria: CeGaT Center For Human Genetics Tuebingen Variant Classification Criteria Version 2. Collection method: clinical testing. Allele origin: germline. Affected: yes. Observed: 1 variant allele.
Comment: CTCFL: BP4, BP7